The following is an entry in ClinVar:

NM_001378454.1(ALMS1):c.10476T>G (p.Ser3492Arg)

Gene: ALMS1 (ALMS1 centrosome and basal body associated protein; plus strand). Cytogenetic location: 2p13.1.
Variant type: single nucleotide variant.
Coding change: c.10476T>G on transcript NM_001378454.1 (MANE Select); coding-DNA position 10476, T replaced by G.
Protein change: p.Ser3492Arg; replaces serine 3492 with arginine.
Molecular consequence: missense variant.
Genome position (GRCh38, 1-based): chr2:73,572,353, T>G. VCF-style: chr2-73572353-T-G. GRCh37 (hg19) VCF-style: chr2-73799480-T-G.
Other names: c.10479T>G, p.Ser3493Arg (NM_015120.4); short protein forms S3493R, S3492R.
Identifiers: ClinVar variation 1464538 (VCV001464538.7), dbSNP rs1433521854, ClinGen allele CA347283096.

ClinVar aggregate classification (germline): Uncertain significance. Review status: criteria provided, multiple submitters, no conflicts (2 of 4 stars). 3 submissions from 3 submitters: Uncertain significance (3). Last evaluated 2025-01-31.

Conditions:
Cardiovascular phenotype. Identifiers: MedGen CN230736.
Alstrom syndrome (ALMS). Identifiers: Orphanet 64, MedGen C0268425, MONDO:0008763, OMIM 203800.

Allele frequency attached by ClinVar (database versions not stated): gnomAD exomes below 0.00001 and 0.00001; gnomAD 0.00001; TOPMed 0.00002.
gnomAD v4.1: 3 of 1,608,108 alleles (0.00019%); highest among the groups gnomAD compares: African/African-American, 0.004%; no homozygotes.

Submissions (3):

GeneDx
Classification: Uncertain significance. Last evaluated: 2025-01-31. Review status: criteria provided, single submitter. Criteria: GeneDx Variant Classification Process June 2021. Collection method: clinical testing. Allele origin: germline. Affected: yes.
Comment: Not observed at significant frequency in large population cohorts (gnomAD); In silico analysis indicates that this missense variant does not alter protein structure/function; Has not been previously published as pathogenic or benign to our knowledge

Ambry Genetics
Classification: Uncertain significance for Cardiovascular phenotype. Last evaluated: 2022-03-21. Review status: criteria provided, single submitter. Criteria: Ambry Variant Classification Scheme 2023. Collection method: clinical testing. Allele origin: germline.
Comment: The p.S3493R variant (also known as c.10479T>G), located in coding exon 16 of the ALMS1 gene, results from a T to G substitution at nucleotide position 10479. The serine at codon 3493 is replaced by arginine, an amino acid with dissimilar properties. This amino acid position is poorly conserved in available vertebrate species. In addition, this alteration is predicted to be tolerated by in silico analysis. Since supporting evidence is limited at this time, the clinical significance of this alteration remains unclear.

Labcorp Genetics (formerly Invitae), Labcorp
Classification: Uncertain significance for Alstrom syndrome. Last evaluated: 2021-03-09. Review status: criteria provided, single submitter. Criteria: Invitae Variant Classification Sherloc (09022015). Collection method: clinical testing. Allele origin: germline.
Comment: Experimental studies and prediction algorithms are not available or were not evaluated, and the functional significance of this variant is currently unknown. This variant has not been reported in the literature in individuals with ALMS1-related conditions. This variant is not present in population databases (ExAC no frequency). This sequence change replaces serine with arginine at codon 3493 of the ALMS1 protein (p.Ser3493Arg). The serine residue is moderately conserved and there is a moderate physicochemical difference between serine and arginine. In summary, the available evidence is currently insufficient to determine the role of this variant in disease. Therefore, it has been classified as a Variant of Uncertain Significance.